The following is an entry in ClinVar:

NM_004364.5(CEBPA):c.865C>G (p.Arg289Gly)

Gene: CEBPA (CCAAT enhancer binding protein alpha; minus strand). Cytogenetic location: 19q13.11.
Variant type: single nucleotide variant.
Coding change: c.865C>G on transcript NM_004364.5 (MANE Select); coding-DNA position 865, C replaced by G.
Protein change: p.Arg289Gly; replaces arginine 289 with glycine.
Molecular consequence: missense variant.
Genome position (GRCh38, 1-based): chr19:33,301,550, G>C on the plus strand (C>G on the coding strand, the complement: CEBPA is on the minus strand). VCF-style: chr19-33301550-G-C. GRCh37 (hg19) VCF-style: chr19-33792456-G-C.
Other names: c.508C>G, p.Arg170Gly (NM_001285829.2); c.970C>G, p.Arg324Gly (NM_001287424.2); c.823C>G, p.Arg275Gly (NM_001287435.2); short protein forms R275G, R289G, R170G, R324G.
Identifiers: ClinVar variation 5034297 (VCV005034297.1).

ClinVar aggregate classification (germline): Uncertain significance (1 of 4 stars; one submission).

Conditions:
Inborn genetic diseases. Identifiers: MedGen C0950123, MeSH D030342.

Submission:

Ambry Genetics
Classification: Uncertain significance for Inborn genetic diseases. Last evaluated: 2026-07-13. Review status: criteria provided, single submitter. Criteria: Ambry Variant Classification Scheme 2023. Collection method: clinical testing. Allele origin: germline.
Comment: The p.R289G variant (also known as c.865C>G), located in coding exon 1 of the CEBPA gene, results from a C to G substitution at nucleotide position 865. The arginine at codon 289 is replaced by glycine, an amino acid with dissimilar properties. This amino acid position is conserved. In addition, this alteration is predicted to be deleterious by in silico analysis. Based on the available evidence, the clinical significance of this variant remains unclear.